The following is an entry in ClinVar:

NM_005559.4(LAMA1):c.8431A>G (p.Ile2811Val)

Gene: LAMA1 (laminin subunit alpha 1; minus strand). Cytogenetic location: 18p11.31.
Variant type: single nucleotide variant.
Coding change: c.8431A>G on transcript NM_005559.4 (MANE Select); coding-DNA position 8431, A replaced by G.
Protein change: p.Ile2811Val; replaces isoleucine 2811 with valine.
Molecular consequence: missense variant.
Genome position (GRCh38, 1-based): chr18:6,949,226, T>C on the plus strand (A>G on the coding strand, the complement: LAMA1 is on the minus strand). VCF-style: chr18-6949226-T-C. GRCh37 (hg19) VCF-style: chr18-6949225-T-C.
Other names: short protein forms I2811V.
Identifiers: ClinVar variation 1423759 (VCV001423759.6), dbSNP rs767513459, ClinGen allele CA8880476.
Genomic context (GRCh38, chr18:6,949,226, plus strand): 5'-CCAGCATGGTTCCATCTCCCACCACAGTCACCATGGGAGACTCTCGGCCGTCGACAGTTA[T>C]GAAGCCTTTTCTTTTAACATAGTCTGTCTTGACCTACAGCAAAGTGAAAACATGCATAAT-3'
Protein context (NP_005550.2, residues 2801-2821): KTDYVKRKGF[Ile2811Val]TVDGRESPMV

ClinVar aggregate classification (germline): Uncertain significance (1 of 4 stars; one submission).

Allele frequency attached by ClinVar (database versions not stated): TOPMed below 0.00001; gnomAD 0.00001; ExAC 0.00002; gnomAD exomes 0.00002.
gnomAD v4.1: 14 of 1,614,114 alleles (0.00087%); highest among the groups gnomAD compares: East Asian, 0.0022%; no homozygotes.

Submission:

Labcorp Genetics (formerly Invitae), Labcorp
Classification: Uncertain significance. Last evaluated: 2022-02-08. Review status: criteria provided, single submitter. Criteria: Invitae Variant Classification Sherloc (09022015). Collection method: clinical testing. Allele origin: germline.
Comment: This sequence change replaces isoleucine, which is neutral and non-polar, with valine, which is neutral and non-polar, at codon 2811 of the LAMA1 protein (p.Ile2811Val). This variant is present in population databases (rs767513459, gnomAD 0.005%). This variant has not been reported in the literature in individuals affected with LAMA1-related conditions. Algorithms developed to predict the effect of missense changes on protein structure and function output the following: SIFT: "Tolerated"; PolyPhen-2: "Benign"; Align-GVGD: "Class C0". The valine amino acid residue is found in multiple mammalian species, which suggests that this missense change does not adversely affect protein function. Algorithms developed to predict the effect of sequence changes on RNA splicing suggest that this variant may create or strengthen a splice site. In summary, the available evidence is currently insufficient to determine the role of this variant in disease. Therefore, it has been classified as a Variant of Uncertain Significance.